The following is an entry in ClinVar:

NM_198428.3(BBS9):c.754del (p.Ser252fs)

Gene: BBS9 (Bardet-Biedl syndrome 9; plus strand). Cytogenetic location: 7p14.3.
Variant type: Deletion.
Coding change: c.754del on transcript NM_198428.3 (MANE Select); coding-DNA position 754, one base deleted (T; older notation c.754delT).
Protein change: p.Ser252fs; shifts the reading frame from serine 252.
Molecular consequence: frameshift variant. On other transcripts: non-coding transcript variant (3).
Genome position (GRCh38, 1-based): chr7:33,273,063, T deleted. VCF-style (leftmost placement, unchanged base first): chr7-33273062-CT-C. GRCh37 (hg19) VCF-style: chr7-33312674-CT-C.
Other names: c.754del, p.Ser252fs (NM_001033604.2, NM_001033605.2, NM_001348036.1 and 5 more transcripts); c.388del, p.Ser130fs (NM_001348037.3, NM_001348044.3, NM_001348045.3 and 1 more transcripts); c.481del, p.Ser161fs (NM_001348038.3, NM_001348039.3); c.619del, p.Ser207fs (NM_001348042.3); short protein forms S207fs, S161fs, S130fs, S252fs.
Identifiers: ClinVar variation 1437824 (VCV001437824.6), dbSNP rs2128344706, ClinGen allele CA2573142105.

ClinVar aggregate classification (germline): Pathogenic (1 of 4 stars; one submission).

Conditions:
Bardet-Biedl syndrome (BBS). Identifiers: Orphanet 110, MedGen C0752166, MONDO:0015229.

Allele frequency attached by ClinVar (database versions not stated): gnomAD exomes below 0.00001.

Submission:

Labcorp Genetics (formerly Invitae), Labcorp
Classification: Pathogenic for Bardet-Biedl syndrome. Last evaluated: 2021-03-10. Review status: criteria provided, single submitter. Criteria: Invitae Variant Classification Sherloc (09022015). Collection method: clinical testing. Allele origin: germline.
Comment: For these reasons, this variant has been classified as Pathogenic. This variant has not been reported in the literature in individuals with BBS9-related conditions. This variant is not present in population databases (ExAC no frequency). This sequence change creates a premature translational stop signal (p.Ser252Leufs*29) in the BBS9 gene. It is expected to result in an absent or disrupted protein product. Loss-of-function variants in BBS9 are known to be pathogenic (PMID: 16380913, 20177705).

Literature cited by the submitters: PubMed 16380913; PubMed 20177705.